The following is an entry in ClinVar:

ClinVar aggregate classification (germline): Uncertain significance (1 of 4 stars; one submission).

Conditions:
Severe combined immunodeficiency due to DNA-PKcs deficiency. Also called: IMMUNODEFICIENCY 26 WITH NEUROLOGIC ABNORMALITIES; Immunodeficiency 26 with or without neurologic abnormalities. Identifiers: Orphanet 317425, MedGen C4014833, MONDO:0014423, OMIM 615966.

Submission:

Labcorp Genetics (formerly Invitae), Labcorp
Classification: Uncertain significance for Severe combined immunodeficiency due to DNA-PKcs deficiency. Last evaluated: 2023-03-17. Review status: criteria provided, single submitter. Criteria: Invitae Variant Classification Sherloc (09022015). Collection method: clinical testing. Allele origin: germline.
Comment: In summary, the available evidence is currently insufficient to determine the role of this variant in disease. Therefore, it has been classified as a Variant of Uncertain Significance. Experimental studies and prediction algorithms are not available or were not evaluated, and the functional significance of this variant is currently unknown. This sequence change replaces cysteine, which is neutral and slightly polar, with serine, which is neutral and polar, at codon 3187 of the PRKDC protein (p.Cys3187Ser). This variant is not present in population databases (gnomAD no frequency). This variant has not been reported in the literature in individuals affected with PRKDC-related conditions.

NM_006904.7(PRKDC):c.9560G>C (p.Cys3187Ser)

Gene: PRKDC (protein kinase, DNA-activated, catalytic subunit; minus strand). Cytogenetic location: 8q11.21.
Variant type: single nucleotide variant.
Coding change: c.9560G>C on transcript NM_006904.7 (MANE Select); coding-DNA position 9560, G replaced by C.
Protein change: p.Cys3187Ser; replaces cysteine 3187 with serine.
Molecular consequence: missense variant.
Genome position (GRCh38, 1-based): chr8:47,807,324, C>G on the plus strand (G>C on the coding strand, the complement: PRKDC is on the minus strand). VCF-style: chr8-47807324-C-G. GRCh37 (hg19) VCF-style: chr8-48719885-C-G.
Other names: c.9560G>C, p.Cys3187Ser (NM_001081640.2); short protein forms C3187S.
Identifiers: ClinVar variation 2844589 (VCV002844589.3), dbSNP rs2551863853, ClinGen allele CA371137852.
Genomic context (GRCh38, chr8:47,807,324, plus strand): 5'-TTCATACTATTATCTTCTGGAAGAGGGGTAAGCTTCTCCTCTATTTTGCTGAGAAAGAAA[C>G]ATCTACACAAAGAAAAATGAGACAATGTCACAGACTCAGGAATAGGAAGCTGCTGGATAG-3'
Protein context (NP_008835.5, residues 3177-3197): NIWDDIITNR[Cys3187Ser]FFLSKIEEKL